The following is an entry in ClinVar:

ClinVar aggregate classification (germline): Uncertain significance (1 of 4 stars; one submission).

Submission:

Labcorp Genetics (formerly Invitae), Labcorp
Classification: Uncertain significance. Last evaluated: 2024-02-24. Review status: criteria provided, single submitter. Criteria: Invitae Variant Classification Sherloc (09022015). Collection method: clinical testing. Allele origin: germline.
Comment: This variant, c.3496_3516del, results in the deletion of 7 amino acid(s) of the COL18A1 protein (p.Val1166_Leu1172del), but otherwise preserves the integrity of the reading frame. This variant is not present in population databases (gnomAD no frequency). This variant has not been reported in the literature in individuals affected with COL18A1-related conditions. Experimental studies and prediction algorithms are not available or were not evaluated, and the functional significance of this variant is currently unknown. In summary, the available evidence is currently insufficient to determine the role of this variant in disease. Therefore, it has been classified as a Variant of Uncertain Significance.

NM_001379500.1(COL18A1):c.3505_3525del (p.Val1169_Leu1175del)

Genes: COL18A1 (collagen type XVIII alpha 1 chain; plus strand), SLC19A1 (solute carrier family 19 member 1; minus strand). Cytogenetic location: 21q22.3.
Variant type: Deletion.
Coding change: c.3505_3525del on transcript NM_001379500.1 (MANE Select); coding-DNA positions 3505 to 3525, 21 bases deleted (GTTGCGCTCAACAGCCCCCTG).
Protein change: p.Val1169_Leu1175del.
Genome position (GRCh38, 1-based): chr21:45,510,073-45,510,093, GTTGCGCTCAACAGCCCCCTG deleted; deleting any 21 consecutive bases within chr21:45,510,069-45,510,093 gives the same sequence; the c. name uses the placement nearest the transcript's 3' end. VCF-style (leftmost placement, unchanged base first): chr21-45510068-ACCTGGTTGCGCTCAACAGCCC-A. GRCh37 (hg19) VCF-style: chr21-46929982-ACCTGGTTGCGCTCAACAGCCC-A.
Other names: c.4036_4056del, p.Val1346_Leu1352del (NM_030582.4); c.4741_4761del, p.Val1581_Leu1587del (NM_130444.3).
Identifiers: ClinVar variation 3693133 (VCV003693133.2).